The following is an entry in ClinVar:

ClinVar aggregate classification (germline): Likely benign. Review status: criteria provided, multiple submitters, no conflicts (2 of 4 stars). 3 submissions from 3 submitters: Likely benign (2). 1 of the submissions does not count toward it. Last evaluated 2022-12-01.

Conditions:
KMT2D-related disorder. Also called: KMT2D-Related Disorders.

Allele frequency attached by ClinVar (database versions not stated): ExAC 0.00001; gnomAD exomes 0.00001 and 0.00002; TOPMed 0.00002; gnomAD 0.00003.
gnomAD v4.1: 17 of 1,613,850 alleles (0.0011%); highest among the groups gnomAD compares: African/African-American, 0.004%; no homozygotes.

Submissions (3):

CeGaT Center for Human Genetics Tuebingen
Classification: Likely benign. Last evaluated: 2022-12-01. Review status: criteria provided, single submitter. Criteria: CeGaT Center For Human Genetics Tuebingen Variant Classification Criteria Version 2. Collection method: clinical testing. Allele origin: germline. Affected: yes. Observed: 1 variant allele.
Comment: KMT2D: BP4, BP7

Labcorp Genetics (formerly Invitae), Labcorp
Classification: Likely benign. Last evaluated: 2017-09-01. Review status: criteria provided, single submitter. Criteria: Invitae Variant Classification Sherloc (09022015). Collection method: clinical testing. Allele origin: germline.

PreventionGenetics, part of Exact Sciences
Classification: Likely benign for KMT2D-related condition. Last evaluated: 2024-07-15. Review status: no assertion criteria provided. Collection method: clinical testing. Allele origin: germline. Not counted in ClinVar's aggregate classification.
Comment: This variant is classified as likely benign based on ACMG/AMP sequence variant interpretation guidelines (Richards et al. 2015 PMID: 25741868, with internal and published modifications).

NM_003482.4(KMT2D):c.9225G>A (p.Ser3075=)

Gene: KMT2D (lysine methyltransferase 2D; minus strand). Cytogenetic location: 12q13.12.
Variant type: single nucleotide variant.
Coding change: c.9225G>A on transcript NM_003482.4 (MANE Select); coding-DNA position 9225, G replaced by A.
Protein change: p.Ser3075=; no amino-acid change (serine 3075 retained).
Molecular consequence: synonymous variant.
Genome position (GRCh38, 1-based): chr12:49,038,131, C>T on the plus strand (G>A on the coding strand, the complement: KMT2D is on the minus strand). VCF-style: chr12-49038131-C-T. GRCh37 (hg19) VCF-style: chr12-49431914-C-T.
Identifiers: ClinVar variation 715769 (VCV000715769.27), dbSNP rs764659894, ClinGen allele CA6546732.
Genomic context (GRCh38, chr12:49,038,131, plus strand): 5'-GCCCAAGGGTCCTGGCTCCACCCCCCGCAGCAGGGCCTCCCGTTCAGCCTTCTCATTAGC[C>T]GATTCTACCAGCCTCAGGTGCTCATTGAAGATATCCTTCTTGTCCCCAGTGTCCAGCTCA-3'
Protein context (NP_003473.3, residues 3065-3085): IFNEHLRLVE[Ser3075=]ANEKAEREAL